The following is an entry in ClinVar:

ClinVar aggregate classification (germline): Uncertain significance. Review status: criteria provided, multiple submitters, no conflicts (2 of 4 stars). 3 submissions from 3 submitters: Uncertain significance (3). Last evaluated 2024-06-04.

Conditions:
Hereditary cancer-predisposing syndrome. Also called: Tumor predisposition; Neoplastic Syndromes, Hereditary; Hereditary neoplastic syndrome; Hereditary Cancer Syndrome. Identifiers: Orphanet 140162, MedGen C0027672, MeSH D009386, MONDO:0015356.
Ataxia-telangiectasia syndrome (AT). Also called: Ataxia-telangiectasia, complementation group D; AT, COMPLEMENTATION GROUP C; ATAXIA-TELANGIECTASIA, COMPLEMENTATION GROUP A; ATAXIA-TELANGIECTASIA, FRESNO VARIANT; Ataxia-telangiectasia; Ataxia telangiectasia (A-T). Identifiers: Orphanet 100, MedGen C0004135, MONDO:0008840, OMIM 208900.

Allele frequency attached by ClinVar (database versions not stated): gnomAD exomes below 0.00001.
gnomAD v4.1: 1 of 1,614,092 alleles (0.000062%); highest among the groups gnomAD compares: African/African-American, 0.0013%; no homozygotes.

Submissions (3):

Ambry Genetics
Classification: Uncertain significance for Hereditary cancer-predisposing syndrome. Last evaluated: 2024-06-04. Review status: criteria provided, single submitter. Criteria: Ambry Variant Classification Scheme 2023. Collection method: clinical testing. Allele origin: germline.
Comment: The p.W2300R variant (also known as c.6898T>C), located in coding exon 46 of the ATM gene, results from a T to C substitution at nucleotide position 6898. The tryptophan at codon 2300 is replaced by arginine, an amino acid with dissimilar properties. This amino acid position is conserved. In addition, this alteration is predicted to be deleterious by in silico analysis. Based on the available evidence, the clinical significance of this variant remains unclear.

Labcorp Genetics (formerly Invitae), Labcorp
Classification: Uncertain significance for Ataxia-telangiectasia syndrome. Last evaluated: 2024-03-12. Review status: criteria provided, single submitter. Criteria: Invitae Variant Classification Sherloc (09022015). Collection method: clinical testing. Allele origin: germline.
Comment: This sequence change replaces tryptophan, which is neutral and slightly polar, with arginine, which is basic and polar, at codon 2300 of the ATM protein (p.Trp2300Arg). This variant is not present in population databases (gnomAD no frequency). This variant has not been reported in the literature in individuals affected with ATM-related conditions. ClinVar contains an entry for this variant (Variation ID: 928222). An algorithm developed to predict the effect of missense changes on protein structure and function (PolyPhen-2) suggests that this variant is likely to be disruptive. In summary, the available evidence is currently insufficient to determine the role of this variant in disease. Therefore, it has been classified as a Variant of Uncertain Significance.

Color Diagnostics, LLC DBA Color Health
Classification: Uncertain significance for Hereditary cancer-predisposing syndrome. Last evaluated: 2023-12-04. Review status: criteria provided, single submitter. Criteria: ACMG Guidelines, 2015. Collection method: clinical testing. Allele origin: germline.
Comment: This missense variant replaces tryptophan with arginine at codon 2300 of the ATM protein. Computational prediction suggests that this variant may have deleterious impact on protein structure and function (internally defined REVEL score threshold >= 0.7, PMID: 27666373). To our knowledge, functional studies have not been reported for this variant. This variant has not been reported in individuals affected with ATM-related disorders in the literature. This variant has not been identified in the general population by the Genome Aggregation Database (gnomAD). The available evidence is insufficient to determine the role of this variant in disease conclusively. Therefore, this variant is classified as a Variant of Uncertain Significance.

NM_000051.4(ATM):c.6898T>C (p.Trp2300Arg)

Genes: ATM (ATM serine/threonine kinase; plus strand), C11orf65 (chromosome 11 open reading frame 65; minus strand). Cytogenetic location: 11q22.3.
Variant type: single nucleotide variant.
Coding change: c.6898T>C on transcript NM_000051.4 (MANE Select); coding-DNA position 6898, T replaced by C.
Protein change: p.Trp2300Arg; replaces tryptophan 2300 with arginine.
Molecular consequence: missense variant. On other transcripts: intron variant (2).
Genome position (GRCh38, 1-based): chr11:108,326,148, T>C. VCF-style: chr11-108326148-T-C. GRCh37 (hg19) VCF-style: chr11-108196875-T-C.
Other names: c.6898T>C, p.Trp2300Arg (NM_001351834.2); c.641-17077A>G (NM_001330368.2); c.*38+9072A>G (NM_001351110.2); short protein forms W2300R.
Identifiers: ClinVar variation 928222 (VCV000928222.8), dbSNP rs1565520641, ClinGen allele CA382556934.
Genomic context (GRCh38, chr11:108,326,148, plus strand): 5'-CAGTACAATTCAGTTAGCTGTGGAGTCTCTGAGTGGCAGCTGGAAGAAGCACAAGTATTC[T>C]GGGCAAAAAAGGAGCAGAGTCTTGCCCTGAGTATTCTCAAGCAAATGATCAAGAAGTTGG-3'
Protein context (NP_000042.3, residues 2290-2310): EWQLEEAQVF[Trp2300Arg]AKKEQSLALS